The following is an entry in ClinVar:

ClinVar aggregate classification (germline): Uncertain significance (1 of 4 stars; one submission).

Conditions:
Inborn genetic diseases. Identifiers: MedGen C0950123, MeSH D030342.

gnomAD v4.1: 1 of 1,603,566 alleles (0.000062%); highest among the groups gnomAD compares: South Asian, 0.0011%; no homozygotes.

Submission:

Ambry Genetics
Classification: Uncertain significance for Inborn genetic diseases. Last evaluated: 2026-05-04. Review status: criteria provided, single submitter. Criteria: Ambry Variant Classification Scheme 2023. Collection method: clinical testing. Allele origin: germline.
Comment: The p.I1269T variant (also known as c.3806T>C), located in coding exon 14 of the FANCM gene, results from a T to C substitution at nucleotide position 3806. The isoleucine at codon 1269 is replaced by threonine, an amino acid with similar properties. This amino acid position is conserved. In addition, this alteration is predicted to be tolerated by in silico analysis. Based on the available evidence, the clinical significance of this variant remains unclear.

NM_020937.4(FANCM):c.3806T>C (p.Ile1269Thr)

Gene: FANCM (FA complementation group M; plus strand). Cytogenetic location: 14q21.2.
Variant type: single nucleotide variant.
Coding change: c.3806T>C on transcript NM_020937.4 (MANE Select); coding-DNA position 3806, T replaced by C.
Protein change: p.Ile1269Thr; replaces isoleucine 1269 with threonine.
Molecular consequence: missense variant.
Genome position (GRCh38, 1-based): chr14:45,176,560, T>C. VCF-style: chr14-45176560-T-C. GRCh37 (hg19) VCF-style: chr14-45645763-T-C.
Other names: c.3728T>C, p.Ile1243Thr (NM_001308133.2); short protein forms I1243T, I1269T.
Identifiers: ClinVar variation 4871122 (VCV004871122.1).
Genomic context (GRCh38, chr14:45,176,560, plus strand): 5'-CATCAGATAGCAATAGACCTCTAGATGATCTATATGGAAGGTATTTGGAAATTAAGGAGA[T>C]AAGTGATGCAAATTATGTTTCGAATCAAGCACTAATACCAAGAGATCATAGTAAAAATTT-3'
Protein context (NP_065988.1, residues 1259-1279): LYGRYLEIKE[Ile1269Thr]SDANYVSNQA